The following is an entry in ClinVar:

NM_002109.6(HARS1):c.407C>T (p.Ala136Val)

Gene: HARS1 (histidyl-tRNA synthetase 1; minus strand). Cytogenetic location: 5q31.3.
Variant type: single nucleotide variant.
Coding change: c.407C>T on transcript NM_002109.6 (MANE Select); coding-DNA position 407, C replaced by T.
Protein change: p.Ala136Val; replaces alanine 136 with valine.
Molecular consequence: missense variant. On other transcripts: intron variant (2).
Genome position (GRCh38, 1-based): chr5:140,679,117, G>A on the plus strand (C>T on the coding strand, the complement: HARS1 is on the minus strand). VCF-style: chr5-140679117-G-A. GRCh37 (hg19) VCF-style: chr5-140058702-G-A.
Other names: c.287C>T, p.Ala96Val (NM_001258040.3, NM_001258042.3); c.407C>T, p.Ala136Val (NM_001258041.3); c.320C>T, p.Ala107Val (NM_001289094.2); c.181-1102C>T (NM_001289093.2); c.301-1102C>T (NM_001289092.2); short protein forms A107V, A136V, A96V.
Identifiers: ClinVar variation 655600 (VCV000655600.7), dbSNP rs1334234821, ClinGen allele CA361257390.

ClinVar aggregate classification (germline): Uncertain significance. Review status: criteria provided, multiple submitters, no conflicts (2 of 4 stars). 2 submissions from 2 submitters: Uncertain significance (2). Last evaluated 2026-04-01.

Conditions:
Usher syndrome type 3B. Also called: USHER SYNDROME, TYPE IIIB. Identifiers: MedGen C3281066, MONDO:0013788, OMIM 614504.

Allele frequency attached by ClinVar (database versions not stated): gnomAD below 0.00001 and 0.00001; gnomAD exomes 0.00001.

Submissions (2):

GeneDx
Classification: Uncertain significance. Last evaluated: 2026-04-01. Review status: criteria provided, single submitter. Criteria: GeneDx Variant Classification Process June 2021. Collection method: clinical testing. Allele origin: germline.
Comment: In silico analysis supports that this missense variant has a deleterious effect on protein structure/function; Has not been previously published as pathogenic or benign to our knowledge

Labcorp Genetics (formerly Invitae), Labcorp
Classification: Uncertain significance for Usher syndrome type 3B. Last evaluated: 2024-02-24. Review status: criteria provided, single submitter. Criteria: Invitae Variant Classification Sherloc (09022015). Collection method: clinical testing. Allele origin: germline.
Comment: This sequence change replaces alanine, which is neutral and non-polar, with valine, which is neutral and non-polar, at codon 136 of the HARS protein (p.Ala136Val). This variant is present in population databases (no rsID available, gnomAD 0.006%). This variant has not been reported in the literature in individuals affected with HARS-related conditions. ClinVar contains an entry for this variant (Variation ID: 655600). Advanced modeling of protein sequence and biophysical properties (such as structural, functional, and spatial information, amino acid conservation, physicochemical variation, residue mobility, and thermodynamic stability) has been performed at Invitae for this missense variant, however the output from this modeling did not meet the statistical confidence thresholds required to predict the impact of this variant on HARS protein function. In summary, the available evidence is currently insufficient to determine the role of this variant in disease. Therefore, it has been classified as a Variant of Uncertain Significance.